The following is an entry in ClinVar:

NM_005228.5(EGFR):c.1299-6A>G

Gene: EGFR (epidermal growth factor receptor; plus strand). Cytogenetic location: 7p11.2.
Variant type: single nucleotide variant.
Coding change: c.1299-6A>G on transcript NM_005228.5 (MANE Select); 6 bases into the intron before coding-DNA position 1299, A replaced by G.
Molecular consequence: intron variant.
Genome position (GRCh38, 1-based): chr7:55,160,133, A>G. VCF-style: chr7-55160133-A-G. GRCh37 (hg19) VCF-style: chr7-55227826-A-G.
Other names: c.1164-6A>G (NM_001346899.2, NM_001346897.2); c.498-6A>G (NM_001346941.2); c.1299-6A>G (NM_001346898.2, NM_201284.2, NM_201282.2); c.1140-6A>G (NM_001346900.2).
Identifiers: ClinVar variation 2890908 (VCV002890908.3), dbSNP rs377160250, ClinGen allele CA2682852593.

ClinVar aggregate classification (germline): Uncertain significance (1 of 4 stars; one submission).

Conditions:
EGFR-related lung cancer (EGFR). Identifiers: MedGen CN130014.

gnomAD v4.1: 2 of 1,614,056 alleles (0.00012%); highest among the groups gnomAD compares: Non-Finnish European, 0.00017%; no homozygotes.

Submission:

Labcorp Genetics (formerly Invitae), Labcorp
Classification: Uncertain significance for EGFR-related lung cancer. Last evaluated: 2022-11-22. Review status: criteria provided, single submitter. Criteria: Invitae Variant Classification Sherloc (09022015). Collection method: clinical testing. Allele origin: germline.
Comment: Algorithms developed to predict the effect of sequence changes on RNA splicing suggest that this variant may disrupt the consensus splice site. In summary, the available evidence is currently insufficient to determine the role of this variant in disease. Therefore, it has been classified as a Variant of Uncertain Significance. This variant has not been reported in the literature in individuals affected with EGFR-related conditions. This variant is not present in population databases (gnomAD no frequency). This sequence change falls in intron 11 of the EGFR gene. It does not directly change the encoded amino acid sequence of the EGFR protein.